The following is an entry in ClinVar:

NM_014285.7(EXOSC2):c.374C>T (p.Ala125Val)

Gene: EXOSC2 (exosome component 2; plus strand). Cytogenetic location: 9q34.12.
Variant type: single nucleotide variant.
Coding change: c.374C>T on transcript NM_014285.7 (MANE Select); coding-DNA position 374, C replaced by T.
Protein change: p.Ala125Val; replaces alanine 125 with valine.
Molecular consequence: missense variant. On other transcripts: non-coding transcript variant (1).
Genome position (GRCh38, 1-based): chr9:130,699,342, C>T. VCF-style: chr9-130699342-C-T. GRCh37 (hg19) VCF-style: chr9-133574729-C-T.
Other names: c.374C>T, p.Ala125Val (NM_001282708.1); c.284C>T, p.Ala95Val (NM_001282709.1); short protein forms A125V, A95V.
Identifiers: ClinVar variation 1039297 (VCV001039297.8), dbSNP rs755305419, ClinGen allele CA5284844.
Genomic context (GRCh38, chr9:130,699,342, plus strand): 5'-TTTCTGAGGATCTGGCTTAAGTAATGTCATTTCTTTGTGTATTTCAGAGGAGAAGATCTG[C>T]AGAAGATGAGCTTGCAATGAGAGGTTTCTTACAGGAAGGGGACCTTATCAGTGTATCCTG-3'
Protein context (NP_055100.2, residues 115-135): LPGGELRRRS[Ala125Val]EDELAMRGFL

ClinVar aggregate classification (germline): Uncertain significance (1 of 4 stars; one submission).

Allele frequency attached by ClinVar (database versions not stated): gnomAD 0.00001; TOPMed 0.00001; ExAC 0.00002; gnomAD exomes 0.00002.
gnomAD v4.1: 33 of 1,614,068 alleles (0.002%); highest among the groups gnomAD compares: South Asian, 0.025%; 1 homozygote.

Submission:

Labcorp Genetics (formerly Invitae), Labcorp
Classification: Uncertain significance. Last evaluated: 2023-11-27. Review status: criteria provided, single submitter. Criteria: Invitae Variant Classification Sherloc (09022015). Collection method: clinical testing. Allele origin: germline.
Comment: This sequence change replaces alanine, which is neutral and non-polar, with valine, which is neutral and non-polar, at codon 125 of the EXOSC2 protein (p.Ala125Val). This variant is present in population databases (rs755305419, gnomAD 0.01%). This variant has not been reported in the literature in individuals affected with EXOSC2-related conditions. ClinVar contains an entry for this variant (Variation ID: 1039297). Advanced modeling of protein sequence and biophysical properties (such as structural, functional, and spatial information, amino acid conservation, physicochemical variation, residue mobility, and thermodynamic stability) performed at Invitae indicates that this missense variant is not expected to disrupt EXOSC2 protein function with a negative predictive value of 80%. Algorithms developed to predict the effect of sequence changes on RNA splicing suggest that this variant may disrupt the consensus splice site. In summary, the available evidence is currently insufficient to determine the role of this variant in disease. Therefore, it has been classified as a Variant of Uncertain Significance.